The following is an entry in ClinVar:

ClinVar aggregate classification (germline): Uncertain significance (1 of 4 stars; one submission).

Conditions:
Short-rib thoracic dysplasia 6 with or without polydactyly (SRTD6). Also called: SHORT RIB-POLYDACTYLY SYNDROME, TYPE IIA; Majewski Syndrome; POLYDACTYLY WITH NEONATAL CHONDRODYSTROPHY, TYPE II; SHORT-RIB THORACIC DYSPLASIA 6 WITH POLYDACTYLY; SHORT-RIB THORACIC DYSPLASIA 6 WITHOUT POLYDACTYLY. Identifiers: MedGen C0024507, MONDO:0009894, OMIM 263520.

Allele frequency attached by ClinVar (database versions not stated): ExAC below 0.00001; gnomAD 0.00001; TOPMed 0.00001; gnomAD exomes 0.00002.
gnomAD v4.1: 46 of 1,568,352 alleles (0.0029%); highest among the groups gnomAD compares: Middle Eastern, 0.017%; no homozygotes.

Submission:

Labcorp Genetics (formerly Invitae), Labcorp
Classification: Uncertain significance for Short-rib thoracic dysplasia 6 with or without polydactyly. Last evaluated: 2022-08-23. Review status: criteria provided, single submitter. Criteria: Invitae Variant Classification Sherloc (09022015). Collection method: clinical testing. Allele origin: germline.
Comment: This sequence change replaces histidine, which is basic and polar, with tyrosine, which is neutral and polar, at codon 1237 of the NEK1 protein (p.His1237Tyr). This variant is present in population databases (rs747009789, gnomAD 0.004%). This missense change has been observed in individual(s) with amyotrophic lateral sclerosis (PMID: 33445179). This variant is also known as c.3793C>T p.His1265Tyr . ClinVar contains an entry for this variant (Variation ID: 862762). Advanced modeling of protein sequence and biophysical properties (such as structural, functional, and spatial information, amino acid conservation, physicochemical variation, residue mobility, and thermodynamic stability) performed at Invitae indicates that this missense variant is not expected to disrupt NEK1 protein function. In summary, the available evidence is currently insufficient to determine the role of this variant in disease. Therefore, it has been classified as a Variant of Uncertain Significance.

Literature cited by the submitters: PubMed 33445179.

NM_001199397.3(NEK1):c.3793C>T (p.His1265Tyr)

Gene: NEK1 (NIMA related kinase 1; minus strand). Cytogenetic location: 4q33.
Variant type: single nucleotide variant.
Coding change: c.3793C>T on transcript NM_001199397.3 (MANE Select); coding-DNA position 3793, C replaced by T.
Protein change: p.His1265Tyr; replaces histidine 1265 with tyrosine.
Molecular consequence: missense variant. On other transcripts: non-coding transcript variant (1).
Genome position (GRCh38, 1-based): chr4:169,400,279, G>A on the plus strand (C>T on the coding strand, the complement: NEK1 is on the minus strand). VCF-style: chr4-169400279-G-A. GRCh37 (hg19) VCF-style: chr4-170321430-G-A.
Other names: c.3661C>T, p.His1221Tyr (NM_001199398.3); c.3502C>T, p.His1168Tyr (NM_001199399.3); c.3577C>T, p.His1193Tyr (NM_001199400.3); c.3793C>T, p.His1265Tyr (NM_001374418.1); c.3709C>T, p.His1237Tyr (NM_001374419.1, NM_012224.4); c.3658C>T, p.His1220Tyr (NM_001374420.1); c.3310C>T, p.His1104Tyr (NM_001374421.1); short protein forms H1265Y, H1193Y, H1220Y, H1221Y, H1104Y, H1237Y, H1168Y.
Identifiers: ClinVar variation 862762 (VCV000862762.5), dbSNP rs747009789, ClinGen allele CA3137087.